The following is an entry in ClinVar:

NM_000219.6(KCNE1):c.222G>T (p.Ser74=)

Gene: KCNE1 (potassium voltage-gated channel subfamily E regulatory subunit 1; minus strand). Cytogenetic location: 21q22.12.
Variant type: single nucleotide variant.
Coding change: c.222G>T on transcript NM_000219.6 (MANE Select); coding-DNA position 222, G replaced by T.
Protein change: p.Ser74=; no amino-acid change (serine 74 retained).
Molecular consequence: synonymous variant.
Genome position (GRCh38, 1-based): chr21:34,449,413, C>A on the plus strand (G>T on the coding strand, the complement: KCNE1 is on the minus strand). VCF-style: chr21-34449413-C-A. GRCh37 (hg19) VCF-style: chr21-35821711-C-A.
Other names: c.222G>T, p.Ser74= (NM_001127668.4, NM_001127669.4, NM_001127670.4 and 4 more transcripts).
Identifiers: ClinVar variation 3374365 (VCV003374365.4).

ClinVar aggregate classification (germline): Likely benign (1 of 4 stars; one submission).

Conditions:
Long QT syndrome (LQTS). Identifiers: MedGen C0023976, MeSH D008133, MONDO:0002442. Disease mechanism: loss of function. Inheritance: Various modes of inheritance.

Submissions (2):

Labcorp Genetics (formerly Invitae), Labcorp
Classification: Likely benign for Long QT syndrome. Last evaluated: 2024-03-29. Review status: criteria provided, single submitter. Criteria: Invitae Variant Classification Sherloc (09022015). Collection method: clinical testing. Allele origin: germline.

Roden Lab, Vanderbilt University Medical Center
No classification provided (evidence only). Condition: Long QT syndrome 5. Review status: no classification provided. Collection method: in vitro. Allele origin: not applicable. Functional consequence: Effect on ion channel function. Not counted in ClinVar's aggregate classification.
ClinVar note: "not provided" was previously submitted as the classification for the variant. However, the classification appeared to be based only on an observation of functional data so it was converted to no classification on 2025-07-30.